The following is an entry in ClinVar:

NM_031935.3(HMCN1):c.4439C>T (p.Thr1480Ile)

Gene: HMCN1 (hemicentin 1; plus strand). Cytogenetic location: 1q31.1.
Variant type: single nucleotide variant.
Coding change: c.4439C>T on transcript NM_031935.3 (MANE Select); coding-DNA position 4439, C replaced by T.
Protein change: p.Thr1480Ile; replaces threonine 1480 with isoleucine.
Molecular consequence: missense variant.
Genome position (GRCh38, 1-based): chr1:186,003,808, C>T. VCF-style: chr1-186003808-C-T. GRCh37 (hg19) VCF-style: chr1-185972940-C-T.
Other names: short protein forms T1480I.
Identifiers: ClinVar variation 294145 (VCV000294145.16), dbSNP rs58293393, ClinGen allele CA1292003.

ClinVar aggregate classification (germline): Benign. Review status: criteria provided, multiple submitters, no conflicts (2 of 4 stars). 4 submissions from 4 submitters: Benign (4). Last evaluated 2026-02-02.

Conditions:
Age related macular degeneration 1 (ARMD1). Also called: MACULOPATHY, AGE-RELATED, 1. Identifiers: MedGen C1864205, MONDO:0011285, OMIM 603075.

Allele frequency attached by ClinVar (database versions not stated): gnomAD exomes 0.00245 and 0.00624; ExAC 0.00769; gnomAD 0.02501 and 0.02671; ESP Exome Variant Server 0.02599; TOPMed 0.02761; 1000 Genomes Project 0.02935; 1000 Genomes Project 30x 0.03045.
gnomAD v4.1: 7,533 of 1,613,098 alleles (0.47%); highest among the groups gnomAD compares: African/African-American, 8.6%; 257 homozygotes.

Submissions (4):

Labcorp Genetics (formerly Invitae), Labcorp
Classification: Benign. Last evaluated: 2026-02-02. Review status: criteria provided, single submitter. Criteria: Invitae Variant Classification Sherloc (09022015). Collection method: clinical testing. Allele origin: germline.

Genome-Nilou Lab
Classification: Benign for Age related macular degeneration 1. Last evaluated: 2023-04-11. Review status: criteria provided, single submitter. Criteria: ACMG Guidelines, 2015. Collection method: clinical testing. Allele origin: germline. Affected: no.

Illumina Laboratory Services, Illumina
Classification: Benign for Age related macular degeneration 1. Last evaluated: 2018-01-13. Review status: criteria provided, single submitter. Criteria: ICSL Variant Classification Criteria 13 December 2019. Collection method: clinical testing. Allele origin: germline.
Comment: This variant was observed in the ICSL laboratory as part of a predisposition screen in an ostensibly healthy population. It had not been previously curated by ICSL or reported in the Human Gene Mutation Database (HGMD: prior to June 1st, 2018), and was therefore a candidate for classification through an automated scoring system. Utilizing variant allele frequency, disease prevalence and penetrance estimates, and inheritance mode, an automated score was calculated to assess if this variant is too frequent to cause the disease. Based on the score and internal cut-off values, a variant classified as benign is not then subjected to further curation. The score for this variant resulted in a classification of benign for this disease.

Breakthrough Genomics
Classification: Benign. Review status: criteria provided, single submitter. Criteria: ACMG Guidelines, 2015. Collection method: not provided. Allele origin: germline. Inheritance: Autosomal dominant inheritance. Affected: yes.